The following is an entry in ClinVar:

ClinVar aggregate classification (germline): Uncertain significance (1 of 4 stars; one submission).

Submission:

Ambry Genetics
Classification: Uncertain significance. Last evaluated: 2025-10-07. Review status: criteria provided, single submitter. Criteria: Ambry Variant Classification Scheme 2023. Collection method: clinical testing. Allele origin: germline.
Comment: The c.236G>A (p.S79N) alteration is located in exon (coding exon ) of the MLXIP gene. This alteration results from a G to A substitution at nucleotide position 236, causing the serine (S) at amino acid position 79 to be replaced by an asparagine (N). Based on insufficient or conflicting evidence, the clinical significance of this alteration remains unclear.

NM_014938.6(MLXIP):c.236G>A (p.Ser79Asn)

Gene: MLXIP (MLX interacting protein; plus strand). Cytogenetic location: 12q24.31.
Variant type: single nucleotide variant.
Coding change: c.236G>A on transcript NM_014938.6 (MANE Select); coding-DNA position 236, G replaced by A.
Protein change: p.Ser79Asn; replaces serine 79 with asparagine.
Molecular consequence: missense variant.
Genome position (GRCh38, 1-based): chr12:122,079,089, G>A. VCF-style: chr12-122079089-G-A. GRCh37 (hg19) VCF-style: chr12-122516995-G-A.
Other names: short protein forms S79N.
Identifiers: ClinVar variation 2613875 (VCV002613875.3), dbSNP rs2546983091, ClinGen allele CA387012407.